The following is an entry in ClinVar:

ClinVar aggregate classification (germline): Uncertain significance (1 of 4 stars; one submission).

gnomAD v4.1: 1 of 1,613,508 alleles (0.000062%); highest among the groups gnomAD compares: Non-Finnish European, 0.000085%; no homozygotes.

Submission:

Labcorp Genetics (formerly Invitae), Labcorp
Classification: Uncertain significance. Last evaluated: 2024-08-15. Review status: criteria provided, single submitter. Criteria: Invitae Variant Classification Sherloc (09022015). Collection method: clinical testing. Allele origin: germline.
Comment: This sequence change replaces cysteine, which is neutral and slightly polar, with arginine, which is basic and polar, at codon 335 of the LAMB1 protein (p.Cys335Arg). This variant is present in population databases (no rsID available, gnomAD 0.007%). This variant has not been reported in the literature in individuals affected with LAMB1-related conditions. An algorithm developed to predict the effect of missense changes on protein structure and function (PolyPhen-2) suggests that this variant is likely to be disruptive. In summary, the available evidence is currently insufficient to determine the role of this variant in disease. Therefore, it has been classified as a Variant of Uncertain Significance.

NM_002291.3(LAMB1):c.1003T>C (p.Cys335Arg)

Gene: LAMB1 (laminin subunit beta 1; minus strand). Cytogenetic location: 7q31.1.
Variant type: single nucleotide variant.
Coding change: c.1003T>C on transcript NM_002291.3 (MANE Select); coding-DNA position 1003, T replaced by C.
Protein change: p.Cys335Arg; replaces cysteine 335 with arginine.
Molecular consequence: missense variant.
Genome position (GRCh38, 1-based): chr7:107,975,875, A>G on the plus strand (T>C on the coding strand, the complement: LAMB1 is on the minus strand). VCF-style: chr7-107975875-A-G. GRCh37 (hg19) VCF-style: chr7-107616320-A-G.
Other names: short protein forms C335R.
Identifiers: ClinVar variation 3662495 (VCV003662495.2).